The following is an entry in ClinVar:

ClinVar aggregate classification (germline): Uncertain significance (1 of 4 stars; one submission).

Conditions:
Cardiovascular phenotype. Identifiers: MedGen CN230736.

Submission:

Ambry Genetics
Classification: Uncertain significance for Cardiovascular phenotype. Last evaluated: 2022-09-28. Review status: criteria provided, single submitter. Criteria: Ambry Variant Classification Scheme 2023. Collection method: clinical testing. Allele origin: germline.
Comment: The p.L164H variant (also known as c.491T>A), located in coding exon 4 of the SCN4B gene, results from a T to A substitution at nucleotide position 491. The leucine at codon 164 is replaced by histidine, an amino acid with similar properties. This amino acid position is conserved. In addition, the in silico prediction for this alteration is inconclusive. Since supporting evidence is limited at this time, the clinical significance of this alteration remains unclear.

NM_174934.4(SCN4B):c.491T>A (p.Leu164His)

Gene: SCN4B (sodium voltage-gated channel beta subunit 4; minus strand). Cytogenetic location: 11q23.3.
Variant type: single nucleotide variant.
Coding change: c.491T>A on transcript NM_174934.4 (MANE Select); coding-DNA position 491, T replaced by A.
Protein change: p.Leu164His; replaces leucine 164 with histidine.
Molecular consequence: missense variant. On other transcripts: non-coding transcript variant (1).
Genome position (GRCh38, 1-based): chr11:118,141,309, A>T on the plus strand (T>A on the coding strand, the complement: SCN4B is on the minus strand). VCF-style: chr11-118141309-A-T. GRCh37 (hg19) VCF-style: chr11-118012024-A-T.
Other names: c.89T>A, p.Leu30His (NM_001142348.2); c.161T>A, p.Leu54His (NM_001142349.2); short protein forms L164H, L30H, L54H.
Identifiers: ClinVar variation 1744112 (VCV001744112.2), dbSNP rs2497558467, ClinGen allele CA382777609.
Genomic context (GRCh38, chr11:118,141,309, plus strand): 5'-TTGATCAGCAGGATGAGGATGAGGAGCCCGATGACCCCGCCCACGACAGCCAGGATGATG[A>T]GTGTCACTGTGTTGTCCACTTCTTCCACTGTGTGGCCCGAGTAGGGAGGAAAGGGAAGGC-3'
Protein context (NP_777594.1, residues 154-174): RLEEVDNTVT[Leu164His]IILAVVGGVI